The following is an entry in ClinVar:

NM_007327.4(GRIN1):c.2587C>A (p.Gln863Lys)

Gene: GRIN1 (glutamate ionotropic receptor NMDA type subunit 1; plus strand). Cytogenetic location: 9q34.3.
Variant type: single nucleotide variant.
Coding change: c.2587C>A on transcript NM_007327.4 (MANE Select); coding-DNA position 2587, C replaced by A.
Protein change: p.Gln863Lys; replaces glutamine 863 with lysine.
Molecular consequence: missense variant.
Genome position (GRCh38, 1-based): chr9:137,163,902, C>A. VCF-style: chr9-137163902-C-A. GRCh37 (hg19) VCF-style: chr9-140058354-C-A.
Other names: c.2587C>A, p.Gln863Lys (NM_000832.7, NM_021569.4); c.2650C>A, p.Gln884Lys (NM_001185090.2, NM_001185091.2); short protein forms Q884K, Q863K.
Identifiers: ClinVar variation 3687107 (VCV003687107.2).

ClinVar aggregate classification (germline): Uncertain significance (1 of 4 stars; one submission).

Conditions:
Neurodevelopmental disorder with or without hyperkinetic movements and seizures, autosomal dominant. Also called: Intellectual disability, autosomal dominant 8. Identifiers: MedGen C3280282, MONDO:0013655, OMIM 614254.

Submission:

Labcorp Genetics (formerly Invitae), Labcorp
Classification: Uncertain significance for Neurodevelopmental disorder with or without hyperkinetic movements and seizures, autosomal dominant. Last evaluated: 2024-07-30. Review status: criteria provided, single submitter. Criteria: Invitae Variant Classification Sherloc (09022015). Collection method: clinical testing. Allele origin: germline.
Comment: This sequence change replaces glutamine, which is neutral and polar, with lysine, which is basic and polar, at codon 863 of the GRIN1 protein (p.Gln863Lys). This variant is not present in population databases (gnomAD no frequency). This variant has not been reported in the literature in individuals affected with GRIN1-related conditions. An algorithm developed to predict the effect of missense changes on protein structure and function (PolyPhen-2) suggests that this variant is likely to be disruptive. In summary, the available evidence is currently insufficient to determine the role of this variant in disease. Therefore, it has been classified as a Variant of Uncertain Significance.